The following is an entry in ClinVar:

ClinVar aggregate classification (germline): Uncertain significance (1 of 4 stars; one submission).

Conditions:
Neuronal ceroid lipofuscinosis. Also called: Neuronal Ceroid Lipofuscinoses. Identifiers: Orphanet 216, Orphanet 79263, MedGen C0027877, MONDO:0016295. Disease mechanism: loss of function.

Allele frequency attached by ClinVar (database versions not stated): gnomAD exomes below 0.00001.
gnomAD v4.1: 1 of 1,614,138 alleles (0.000062%); highest among the groups gnomAD compares: African/African-American, 0.0013%; no homozygotes.

Submission:

Labcorp Genetics (formerly Invitae), Labcorp
Classification: Uncertain significance for Neuronal ceroid lipofuscinosis. Last evaluated: 2022-07-26. Review status: criteria provided, single submitter. Criteria: Invitae Variant Classification Sherloc (09022015). Collection method: clinical testing. Allele origin: germline.
Comment: Algorithms developed to predict the effect of missense changes on protein structure and function output the following: SIFT: "Tolerated"; PolyPhen-2: "Benign"; Align-GVGD: "Class C0". The arginine amino acid residue is found in multiple mammalian species, which suggests that this missense change does not adversely affect protein function. In summary, the available evidence is currently insufficient to determine the role of this variant in disease. Therefore, it has been classified as a Variant of Uncertain Significance. ClinVar contains an entry for this variant (Variation ID: 844504). This variant has not been reported in the literature in individuals affected with CLN3-related conditions. This variant is not present in population databases (gnomAD no frequency). This sequence change replaces histidine, which is basic and polar, with arginine, which is basic and polar, at codon 84 of the CLN3 protein (p.His84Arg).

NM_001042432.2(CLN3):c.251A>G (p.His84Arg)

Gene: CLN3 (CLN3 lysosomal/endosomal transmembrane protein, battenin; minus strand). Cytogenetic location: 16p12.1.
Variant type: single nucleotide variant.
Coding change: c.251A>G on transcript NM_001042432.2 (MANE Select); coding-DNA position 251, A replaced by G.
Protein change: p.His84Arg; replaces histidine 84 with arginine.
Molecular consequence: missense variant. On other transcripts: intron variant (2).
Genome position (GRCh38, 1-based): chr16:28,488,634, T>C on the plus strand (A>G on the coding strand, the complement: CLN3 is on the minus strand). VCF-style: chr16-28488634-T-C. GRCh37 (hg19) VCF-style: chr16-28499955-T-C.
Other names: c.251A>G, p.His84Arg (NM_000086.2); c.31A>G, p.Thr11Ala (NM_001286105.2); c.89A>G, p.His30Arg (NM_001286110.2); c.60+656A>G (NM_001286109.2); c.222+656A>G (NM_001286104.2); short protein forms H30R, H84R, T11A.
Identifiers: ClinVar variation 844504 (VCV000844504.7), dbSNP rs2046262515, ClinGen allele CA395346290.